The following is an entry in ClinVar:

ClinVar aggregate classification (germline): Uncertain significance (1 of 4 stars; one submission).

Conditions:
Charcot-Marie-Tooth disease axonal type 2X. Also called: CHARCOT-MARIE-TOOTH DISEASE, AXONAL, AUTOSOMAL RECESSIVE, TYPE 2X; CHARCOT-MARIE-TOOTH NEUROPATHY, TYPE 2X. Identifiers: Orphanet 466775, MedGen C5569024, MONDO:0014726, OMIM 616668.
Juvenile amyotrophic lateral sclerosis (JALS). Also called: Juvenile Amyotrophic Lateral Sclerosis (JALS). Identifiers: Orphanet 300605, MedGen C3468114, MONDO:0017593.
Hereditary spastic paraplegia 11. Also called: Nakamura Osame syndrome; Autosomal recessive hereditary spastic paraplegia, mental impairment, and thin corpus callosum; Spastic Paraplegia 11; Spastic paraplegia, mental retardation and thin corpus callosum; SPASTIC PARAPLEGIA, AUTOSOMAL RECESSIVE, COMPLICATED, WITH THIN CORPUS CALLOSUM; SPASTIC PARAPLEGIA, AUTOSOMAL RECESSIVE, WITH MENTAL IMPAIRMENT AND THIN CORPUS CALLOSUM. Identifiers: Orphanet 2822, MedGen C1858479, MONDO:0011445, OMIM 604360.

Allele frequency attached by ClinVar (database versions not stated): gnomAD exomes below 0.00001.
gnomAD v4.1: 1 of 1,613,868 alleles (0.000062%); highest among the groups gnomAD compares: Non-Finnish European, 0.000085%; no homozygotes.

Submission:

Labcorp Genetics (formerly Invitae), Labcorp
Classification: Uncertain significance for Hereditary spastic paraplegia 11. Last evaluated: 2023-11-27. Review status: criteria provided, single submitter. Criteria: Invitae Variant Classification Sherloc (09022015). Collection method: clinical testing. Allele origin: germline.
Comment: This sequence change replaces proline, which is neutral and non-polar, with alanine, which is neutral and non-polar, at codon 1468 of the SPG11 protein (p.Pro1468Ala). This variant is not present in population databases (gnomAD no frequency). This variant has not been reported in the literature in individuals affected with SPG11-related conditions. ClinVar contains an entry for this variant (Variation ID: 1024648). Advanced modeling of protein sequence and biophysical properties (such as structural, functional, and spatial information, amino acid conservation, physicochemical variation, residue mobility, and thermodynamic stability) performed at Invitae indicates that this missense variant is expected to disrupt SPG11 protein function with a positive predictive value of 80%. In summary, the available evidence is currently insufficient to determine the role of this variant in disease. Therefore, it has been classified as a Variant of Uncertain Significance.

NM_025137.4(SPG11):c.4402C>G (p.Pro1468Ala)

Gene: SPG11 (SPG11 vesicle trafficking associated, spatacsin; minus strand). Cytogenetic location: 15q21.1.
Variant type: single nucleotide variant.
Coding change: c.4402C>G on transcript NM_025137.4 (MANE Select); coding-DNA position 4402, C replaced by G.
Protein change: p.Pro1468Ala; replaces proline 1468 with alanine.
Molecular consequence: missense variant.
Genome position (GRCh38, 1-based): chr15:44,596,115, G>C on the plus strand (C>G on the coding strand, the complement: SPG11 is on the minus strand). VCF-style: chr15-44596115-G-C. GRCh37 (hg19) VCF-style: chr15-44888313-G-C.
Other names: c.4402C>G (NM_025137.3); c.4402C>G, p.Pro1468Ala (NM_001160227.2); short protein forms P1468A.
Identifiers: ClinVar variation 1024648 (VCV001024648.10), dbSNP rs2083030697, ClinGen allele CA392227427.